The following is an entry in ClinVar:

NM_001267550.2(TTN):c.40220_40222+1del

Gene: TTN (titin; minus strand). Cytogenetic location: 2q31.2.
Variant type: Deletion.
Coding change: c.40220_40222+1del on transcript NM_001267550.2 (MANE Select); coding-DNA position 40220 through the canonical splice donor site of the intron after coding-DNA position 40222, 4 bases deleted (AAGG; older notation c.40220_40222+1delAAGG).
Molecular consequence: splice donor variant. On other transcripts: intron variant (5).
Genome position (GRCh38, 1-based): chr2:178,647,063-178,647,066, CCTT deleted on the plus strand (AAGG on the coding strand, the reverse complement: TTN is on the minus strand); deleting any 4 consecutive bases within chr2:178,647,063-178,647,067 gives the same sequence; the c. name uses the placement nearest the transcript's 3' end. VCF-style (leftmost placement, unchanged base first): chr2-178647062-ACCTT-A. GRCh37 (hg19) VCF-style: chr2-179511789-ACCTT-A.
Other names: c.13283-4749_13283-4746del (NM_003319.4); c.13859-4749_13859-4746del (NM_133437.4); c.13658-4749_13658-4746del (NM_133432.3); c.32594-1036_32594-1033del (NM_133378.4); c.35375-1036_35375-1033del (NM_001256850.1).
Identifiers: ClinVar variation 1437322 (VCV001437322.6), dbSNP rs2154245535, ClinGen allele CA2573133794.

ClinVar aggregate classification (germline): Likely pathogenic (1 of 4 stars; one submission).

Conditions:
Dilated cardiomyopathy 1G (CMD1G). Identifiers: Orphanet 154, MedGen C1858763, MONDO:0011400, OMIM 604145.
Autosomal recessive limb-girdle muscular dystrophy type 2J (LGMDR10). Also called: Limb-girdle muscular dystrophy, type 2J; MUSCULAR DYSTROPHY, LIMB-GIRDLE, AUTOSOMAL RECESSIVE 10. Identifiers: Orphanet 140922, MedGen C1837342, MONDO:0012127, OMIM 608807.

Submission:

Labcorp Genetics (formerly Invitae), Labcorp
Classification: Likely pathogenic for Dilated cardiomyopathy 1G; Autosomal recessive limb-girdle muscular dystrophy type 2J. Last evaluated: 2025-02-05. Review status: criteria provided, single submitter. Criteria: Invitae Variant Classification Sherloc (09022015). Collection method: clinical testing. Allele origin: germline.
Comment: This variant results in the deletion of part of exon 215 (c.40220_40222+1del) of the TTN gene. It is expected to disrupt RNA splicing and likely results in a truncated or disrupted TTN protein. This variant is not present in population databases (gnomAD no frequency). This variant has not been reported in the literature in individuals affected with TTN-related conditions. This variant is also known as c.40220_40222+1del. ClinVar contains an entry for this variant (Variation ID: 1437322). This variant is located in the I band of TTN (PMID: 25589632). Truncating variants in this region have been reported in individuals affected with autosomal recessive centronuclear myopathy (PMID: 23975875, internal data). Truncating variants in this region have also been identified in individuals affected with autosomal dominant dilated cardiomyopathy and/or cardio-related conditions (PMID: 27869827, 32964742, internal data). In summary, the currently available evidence indicates that the variant is pathogenic, but additional data are needed to prove that conclusively. Therefore, this variant has been classified as Likely Pathogenic.

Literature cited by the submitters: PubMed 25589632; PubMed 23975875; PubMed 27869827; PubMed 32964742.